The following is an entry in ClinVar:

NM_025207.5(FLAD1):c.940C>A (p.Pro314Thr)

Gene: FLAD1 (flavin adenine dinucleotide synthetase 1; plus strand). Cytogenetic location: 1q21.3.
Variant type: single nucleotide variant.
Coding change: c.940C>A on transcript NM_025207.5 (MANE Select); coding-DNA position 940, C replaced by A.
Protein change: p.Pro314Thr; replaces proline 314 with threonine.
Molecular consequence: missense variant.
Genome position (GRCh38, 1-based): chr1:154,988,672, C>A. VCF-style: chr1-154988672-C-A. GRCh37 (hg19) VCF-style: chr1-154961148-C-A.
Other names: c.649C>A, p.Pro217Thr (NM_001184891.2, NM_201398.3); c.643C>A, p.Pro215Thr (NM_001184892.2); short protein forms P215T, P217T, P314T.
Identifiers: ClinVar variation 1948323 (VCV001948323.5), dbSNP rs1468263544, ClinGen allele CA342748436.

ClinVar aggregate classification (germline): Uncertain significance (1 of 4 stars; one submission).

Submission:

Labcorp Genetics (formerly Invitae), Labcorp
Classification: Uncertain significance. Last evaluated: 2024-02-24. Review status: criteria provided, single submitter. Criteria: Invitae Variant Classification Sherloc (09022015). Collection method: clinical testing. Allele origin: germline.
Comment: This sequence change replaces proline, which is neutral and non-polar, with threonine, which is neutral and polar, at codon 314 of the FLAD1 protein (p.Pro314Thr). This variant is present in population databases (no rsID available, gnomAD 0.01%). This variant has not been reported in the literature in individuals affected with FLAD1-related conditions. ClinVar contains an entry for this variant (Variation ID: 1948323). An algorithm developed to predict the effect of missense changes on protein structure and function (PolyPhen-2) suggests that this variant is likely to be disruptive. In summary, the available evidence is currently insufficient to determine the role of this variant in disease. Therefore, it has been classified as a Variant of Uncertain Significance.